The following is an entry in ClinVar:

ClinVar aggregate classification (germline): Uncertain significance. Review status: criteria provided, multiple submitters, no conflicts (2 of 4 stars). 4 submissions from 4 submitters: Uncertain significance (4). Last evaluated 2025-09-28.

Conditions:
Hereditary cancer-predisposing syndrome. Also called: Tumor predisposition; Neoplastic Syndromes, Hereditary; Hereditary Cancer Syndrome; Hereditary neoplastic syndrome. Identifiers: Orphanet 140162, MedGen C0027672, MeSH D009386, MONDO:0015356.
Colorectal cancer, susceptibility to, 12 (CRCS12). Also called: COLORECTAL CANCER, SUSCEPTIBILITY TO, ON CHROMOSOME 12q24. Identifiers: Orphanet 220460, MedGen C3554460, MONDO:0014038, OMIM 615083.
Intrauterine growth retardation, metaphyseal dysplasia, adrenal hypoplasia congenita, genital anomalies, and immunodeficiency. Also called: IMAGEI SYNDROME. Identifiers: MedGen C5193036, MONDO:0032684, OMIM 618336.
Facial dysmorphism-immunodeficiency-livedo-short stature syndrome. Also called: Facial dysmorphism, immunodeficiency, livedo, and short stature; FILS syndrome. Identifiers: Orphanet 352712, MedGen C3554576, MONDO:0014058, OMIM 615139.

Allele frequency attached by ClinVar (database versions not stated): gnomAD exomes below 0.00001; TOPMed below 0.00001; gnomAD 0.00001.
gnomAD v4.1: 6 of 1,613,112 alleles (0.00037%); highest among the groups gnomAD compares: African/African-American, 0.004%; no homozygotes.

Submissions (4):

Labcorp Genetics (formerly Invitae), Labcorp
Classification: Uncertain significance. Last evaluated: 2025-09-28. Review status: criteria provided, single submitter. Criteria: Invitae Variant Classification Sherloc (09022015). Collection method: clinical testing. Allele origin: germline.
Comment: This sequence change replaces valine, which is neutral and non-polar, with methionine, which is neutral and non-polar, at codon 1301 of the POLE protein (p.Val1301Met). This variant is not present in population databases (gnomAD no frequency). This variant has not been reported in the literature in individuals affected with POLE-related conditions. ClinVar contains an entry for this variant (Variation ID: 801265). An algorithm developed to predict the effect of missense changes on protein structure and function outputs the following: PolyPhen-2: "Benign". The methionine amino acid residue is found in multiple mammalian species, which suggests that this missense change does not adversely affect protein function. In summary, the available evidence is currently insufficient to determine the role of this variant in disease. Therefore, it has been classified as a Variant of Uncertain Significance.

Ambry Genetics
Classification: Uncertain significance for Hereditary cancer-predisposing syndrome. Last evaluated: 2025-03-17. Review status: criteria provided, single submitter. Criteria: Ambry Variant Classification Scheme 2023. Collection method: clinical testing. Allele origin: germline.
Comment: The p.V1301M variant (also known as c.3901G>A), located in coding exon 31 of the POLE gene, results from a G to A substitution at nucleotide position 3901. The valine at codon 1301 is replaced by methionine, an amino acid with highly similar properties. This amino acid position is poorly conserved in available vertebrate species. In addition, this alteration is predicted to be tolerated by in silico analysis. Based on the available evidence, the clinical significance of this variant remains unclear.

Fulgent Genetics
Classification: Uncertain significance for Colorectal cancer, susceptibility to, 12; Facial dysmorphism-immunodeficiency-livedo-short stature syndrome; Intrauterine growth retardation, metaphyseal dysplasia, adrenal hypoplasia congenita, genital anomalies, and immunodeficiency. Last evaluated: 2024-01-12. Review status: criteria provided, single submitter. Criteria: ACMG Guidelines, 2015. Collection method: clinical testing. Allele origin: germline.

Quest Diagnostics Nichols Institute San Juan Capistrano
Classification: Uncertain significance. Last evaluated: 2018-09-11. Review status: criteria provided, single submitter. Criteria: Quest Diagnostics criteria. Collection method: clinical testing. Allele origin: germline.

NM_006231.4(POLE):c.3901G>A (p.Val1301Met)

Gene: POLE (DNA polymerase epsilon, catalytic subunit; minus strand). Cytogenetic location: 12q24.33.
Variant type: single nucleotide variant.
Coding change: c.3901G>A on transcript NM_006231.4 (MANE Select); coding-DNA position 3901, G replaced by A.
Protein change: p.Val1301Met; replaces valine 1301 with methionine.
Molecular consequence: missense variant.
Genome position (GRCh38, 1-based): chr12:132,649,410, C>T on the plus strand (G>A on the coding strand, the complement: POLE is on the minus strand). VCF-style: chr12-132649410-C-T. GRCh37 (hg19) VCF-style: chr12-133225996-C-T.
Other names: short protein forms V1301M.
Identifiers: ClinVar variation 801265 (VCV000801265.16), dbSNP rs112098447, ClinGen allele CA246310248.
Genomic context (GRCh38, chr12:132,649,410, plus strand): 5'-TTCGCAAGAAGCTCCCCAGCCCCGTGGCAGGACCATCCCGGATGGCCCCGGGCCTGAGCA[C>T]ACCCTCTGCCGACTCCAGACGCTGCCTCTTCCTGCGGGCGAGGCGCTGCCGGGCCTGCAG-3'
Protein context (NP_006222.2, residues 1291-1311): KRQRLESAEG[Val1301Met]LRPGAIRDGP